The following is an entry in ClinVar:

NM_182961.4(SYNE1):c.17483C>A (p.Thr5828Lys)

Genes: SYNE1 (spectrin repeat containing nuclear envelope protein 1; minus strand), LOC129997480 (ATAC-STARR-seq lymphoblastoid active region 25287; plus strand). Cytogenetic location: 6q25.2.
Variant type: single nucleotide variant.
Coding change: c.17483C>A on transcript NM_182961.4 (MANE Select); coding-DNA position 17483, C replaced by A.
Protein change: p.Thr5828Lys; replaces threonine 5828 with lysine.
Molecular consequence: missense variant.
Genome position (GRCh38, 1-based): chr6:152,301,927, G>T on the plus strand (C>A on the coding strand, the complement: SYNE1 is on the minus strand). VCF-style: chr6-152301927-G-T. GRCh37 (hg19) VCF-style: chr6-152623062-G-T.
Other names: c.17270C>A, p.Thr5757Lys (NM_033071.5); short protein forms T5757K, T5828K.
Identifiers: ClinVar variation 1711645 (VCV001711645.30), dbSNP rs150376715, ClinGen allele CA366103688.
Genomic context (GRCh38, chr6:152,301,927, plus strand): 5'-ACCATGACCACAGAGGGGTGGGCCGAAGGCGTGGGGAGGAGCTCCCCATCCAGGTCCTCT[G>T]TCCCTTCCGCCAGCCCCTCGACCTCGGTCACCGTCAGCAGCATGGTGGCGTGCTTGGCTT-3'
Protein context (NP_892006.3, residues 5818-5838): VTEVEGLAEG[Thr5828Lys]EDLDGELLPT

ClinVar aggregate classification (germline): Uncertain significance (1 of 4 stars; one submission).

gnomAD v4.1: 7 of 1,614,024 alleles (0.00043%); highest among the groups gnomAD compares: Non-Finnish European, 0.00059%; no homozygotes.

Submission:

CeGaT Center for Human Genetics Tuebingen
Classification: Uncertain significance. Last evaluated: 2022-08-01. Review status: criteria provided, single submitter. Criteria: CeGaT Center For Human Genetics Tuebingen Variant Classification Criteria Version 2. Collection method: clinical testing. Allele origin: germline. Affected: yes. Observed: 1 variant allele.
Comment: SYNE1: PM2, BP4